The following is an entry in ClinVar:

ClinVar aggregate classification (germline): Pathogenic (1 of 4 stars; one submission).

Submission:

Mayo Clinic Laboratories, Mayo Clinic
Classification: Pathogenic. Last evaluated: 2018-04-23. Review status: criteria provided, single submitter. Criteria: ACMG Guidelines, 2015. Collection method: clinical testing. Allele origin: germline.
Comment: PVS1, PM2

NM_000256.3(MYBPC3):c.2250_2251insTAG (p.Val751Ter)

Gene: MYBPC3 (myosin binding protein C3; minus strand). Cytogenetic location: 11p11.2.
Variant type: Insertion.
Coding change: c.2250_2251insTAG on transcript NM_000256.3 (MANE Select); coding-DNA positions 2250 to 2251, TAG inserted.
Protein change: p.Val751Ter; replaces valine 751 with a stop codon.
Molecular consequence: nonsense.
Genome position: GRCh38 VCF-style: chr11-47338577-C-CCTA. GRCh37 (hg19) VCF-style: chr11-47360128-C-CCTA.
Other names: p.Val751*; short protein forms V751*.
Identifiers: ClinVar variation 1343363 (VCV001343363.4), dbSNP rs2142856590, ClinGen allele CA2573053510.